The following is an entry in ClinVar:

NM_000890.5(KCNJ5):c.313G>A (p.Gly105Ser)

Gene: KCNJ5 (potassium inwardly rectifying channel subfamily J member 5; plus strand). Cytogenetic location: 11q24.3.
Variant type: single nucleotide variant.
Coding change: c.313G>A on transcript NM_000890.5 (MANE Select); coding-DNA position 313, G replaced by A.
Protein change: p.Gly105Ser; replaces glycine 105 with serine.
Molecular consequence: missense variant.
Genome position (GRCh38, 1-based): chr11:128,911,586, G>A. VCF-style: chr11-128911586-G-A. GRCh37 (hg19) VCF-style: chr11-128781481-G-A.
Other names: c.313G>A, p.Gly105Ser (NM_001354169.2); short protein forms G105S.
Identifiers: ClinVar variation 1984111 (VCV001984111.4), dbSNP rs768906222, ClinGen allele CA6357853.
Genomic context (GRCh38, chr11:128,911,586, plus strand): 5'-AAGTGGCGCTTCAACTTGCTCGTCTTCACCATGGTTTACACTGTCACCTGGCTGTTCTTC[G>A]GCTTCATTTGGTGGCTCATTGCTTATATCCGGGGTGACCTGGACCATGTTGGCGACCAAG-3'
Protein context (NP_000881.3, residues 95-115): MVYTVTWLFF[Gly105Ser]FIWWLIAYIR

ClinVar aggregate classification (germline): Uncertain significance (1 of 4 stars; one submission).

Conditions:
Long QT syndrome (LQTS). Identifiers: MedGen C0023976, MeSH D008133, MONDO:0002442. Disease mechanism: loss of function. Inheritance: Various modes of inheritance.

Allele frequency attached by ClinVar (database versions not stated): gnomAD exomes 0.00001; ExAC 0.00003; gnomAD 0.00006; 1000 Genomes Project 30x 0.00016.
gnomAD v4.1: 23 of 1,614,178 alleles (0.0014%); highest among the groups gnomAD compares: South Asian, 0.0022%; no homozygotes.

Submission:

Labcorp Genetics (formerly Invitae), Labcorp
Classification: Uncertain significance for Long QT syndrome. Last evaluated: 2025-06-12. Review status: criteria provided, single submitter. Criteria: Invitae Variant Classification Sherloc (09022015). Collection method: clinical testing. Allele origin: germline.
Comment: This sequence change replaces glycine, which is neutral and non-polar, with serine, which is neutral and polar, at codon 105 of the KCNJ5 protein (p.Gly105Ser). This variant is present in population databases (rs768906222, gnomAD 0.02%). This variant has not been reported in the literature in individuals affected with KCNJ5-related conditions. ClinVar contains an entry for this variant (Variation ID: 1984111). Invitae Evidence Modeling of protein sequence and biophysical properties (such as structural, functional, and spatial information, amino acid conservation, physicochemical variation, residue mobility, and thermodynamic stability) indicates that this missense variant is not expected to disrupt KCNJ5 protein function with a negative predictive value of 80%. In summary, the available evidence is currently insufficient to determine the role of this variant in disease. Therefore, it has been classified as a Variant of Uncertain Significance.